The following is an entry in ClinVar:

NM_004168.4(SDHA):c.1409G>T (p.Ser470Ile)

Gene: SDHA (succinate dehydrogenase complex flavoprotein subunit A; plus strand). Cytogenetic location: 5p15.33.
Variant type: single nucleotide variant.
Coding change: c.1409G>T on transcript NM_004168.4 (MANE Select); coding-DNA position 1409, G replaced by T.
Protein change: p.Ser470Ile; replaces serine 470 with isoleucine.
Molecular consequence: missense variant.
Genome position (GRCh38, 1-based): chr5:236,576, G>T. VCF-style: chr5-236576-G-T. GRCh37 (hg19) VCF-style: chr5-236691-G-T.
Other names: c.1265G>T, p.Ser422Ile (NM_001294332.2); c.1409G>T, p.Ser470Ile (NM_001330758.2); short protein forms S422I, S470I.
Identifiers: ClinVar variation 1721019 (VCV001721019.6), dbSNP rs1241820374, ClinGen allele CA359014093.

ClinVar aggregate classification (germline): Uncertain significance (1 of 4 stars; one submission).

Conditions:
Mitochondrial complex II deficiency, nuclear type 1. Also called: SUCCINATE CoQ REDUCTASE DEFICIENCY. Identifiers: Orphanet 3208, MedGen C5700310, MONDO:0100294, OMIM 252011.
Pheochromocytoma/paraganglioma syndrome 5. Also called: Paragangliomas 5; SDHA-Related Hereditary Paraganglioma-Pheochromocytoma Syndrome. Identifiers: Orphanet 29072, MedGen C3279992, MONDO:0013602, OMIM 614165.

Allele frequency attached by ClinVar (database versions not stated): gnomAD exomes below 0.00001.
gnomAD v4.1: 1 of 1,614,048 alleles (0.000062%); highest among the groups gnomAD compares: Non-Finnish European, 0.000085%; no homozygotes.

Submission:

Labcorp Genetics (formerly Invitae), Labcorp
Classification: Uncertain significance for Pheochromocytoma/paraganglioma syndrome 5; Mitochondrial complex II deficiency, nuclear type 1. Last evaluated: 2022-10-05. Review status: criteria provided, single submitter. Criteria: Invitae Variant Classification Sherloc (09022015). Collection method: clinical testing. Allele origin: germline.
Comment: Advanced modeling of protein sequence and biophysical properties (such as structural, functional, and spatial information, amino acid conservation, physicochemical variation, residue mobility, and thermodynamic stability) performed at Invitae indicates that this missense variant is not expected to disrupt SDHA protein function. In summary, the available evidence is currently insufficient to determine the role of this variant in disease. Therefore, it has been classified as a Variant of Uncertain Significance. This variant has not been reported in the literature in individuals affected with SDHA-related conditions. This variant is not present in population databases (gnomAD no frequency). This sequence change replaces serine, which is neutral and polar, with isoleucine, which is neutral and non-polar, at codon 470 of the SDHA protein (p.Ser470Ile).